The following is an entry in ClinVar:

NM_005236.3(ERCC4):c.257G>A (p.Arg86His)

Gene: ERCC4 (ERCC excision repair 4, endonuclease catalytic subunit; plus strand). Cytogenetic location: 16p13.12.
Variant type: single nucleotide variant.
Coding change: c.257G>A on transcript NM_005236.3 (MANE Select); coding-DNA position 257, G replaced by A.
Protein change: p.Arg86His; replaces arginine 86 with histidine.
Molecular consequence: missense variant.
Genome position (GRCh38, 1-based): chr16:13,922,080, G>A. VCF-style: chr16-13922080-G-A. GRCh37 (hg19) VCF-style: chr16-14015937-G-A.
Other names: short protein forms R86H.
Identifiers: ClinVar variation 647625 (VCV000647625.13), dbSNP rs187435008, ClinGen allele CA7910140.

ClinVar aggregate classification (germline): Uncertain significance. Review status: criteria provided, multiple submitters, no conflicts (2 of 4 stars). 6 submissions from 6 submitters: Uncertain significance (6). Last evaluated 2026-10-01.

Conditions:
Fanconi anemia complementation group Q. Identifiers: Orphanet 84, MedGen C3808988, MONDO:0014108, OMIM 615272.
Xeroderma pigmentosum, group F (XPF). Also called: XERODERMA PIGMENTOSUM VI; XP, GROUP F; XERODERMA PIGMENTOSUM, TYPE F; Xeroderma pigmentosum, type 6; XERODERMA PIGMENTOSUM, COMPLEMENTATION GROUP F; ERCC4-Related Xeroderma Pigmentosum. Identifiers: MedGen C0268140, MONDO:0010215, OMIM 278760.
Cockayne syndrome. Identifiers: Orphanet 191, MedGen C0009207, MONDO:0016006.
Growth failure in early childhood.
Inborn genetic diseases. Identifiers: MedGen C0950123, MeSH D030342.

Allele frequency attached by ClinVar (database versions not stated): gnomAD 0.00006 and 0.00008; ExAC 0.00014; gnomAD exomes 0.00015; TOPMed 0.00016; 1000 Genomes Project 0.00040; 1000 Genomes Project 30x 0.00047.
gnomAD v4.1: 114 of 1,613,668 alleles (0.0071%); highest among the groups gnomAD compares: Admixed American, 0.062%; 1 homozygote.

Submissions (6):

St. Jude Molecular Pathology, St. Jude Children's Research Hospital
Classification: Uncertain significance for Xeroderma pigmentosum, group F. Last evaluated: 2026-10-01. Review status: criteria provided, single submitter. Criteria: St. Jude Assertion Criteria 2020. Collection method: clinical testing. Allele origin: germline.
Comment: The ERCC4 c.257G>A p.(Arg86His) missense change has a maximum subpopulation frequency of 0.06% in gnomAD v2.1.1. The in silico tool REVEL predicts a benign effect on protein function, but to our knowledge this prediction has not been confirmed by functional studies. This variant has been reported in a homozygous state in an individual with Fanconi anemia (PMID: 32487094). In summary, the evidence currently available is insufficient to determine the clinical significance of this variant. It has therefore been classified as of uncertain significance (VUS-Low).

Labcorp Genetics (formerly Invitae), Labcorp
Classification: Uncertain significance for Fanconi anemia complementation group Q; Xeroderma pigmentosum, group F; Cockayne syndrome. Last evaluated: 2024-11-19. Review status: criteria provided, single submitter. Criteria: Invitae Variant Classification Sherloc (09022015). Collection method: clinical testing. Allele origin: germline.
Comment: This sequence change replaces arginine, which is basic and polar, with histidine, which is basic and polar, at codon 86 of the ERCC4 protein (p.Arg86His). This variant is present in population databases (rs187435008, gnomAD 0.06%). This missense change has been observed in individual(s) with Fanconi anemia (PMID: 32487094). ClinVar contains an entry for this variant (Variation ID: 647625). Invitae Evidence Modeling of protein sequence and biophysical properties (such as structural, functional, and spatial information, amino acid conservation, physicochemical variation, residue mobility, and thermodynamic stability) indicates that this missense variant is not expected to disrupt ERCC4 protein function with a negative predictive value of 80%. In summary, the available evidence is currently insufficient to determine the role of this variant in disease. Therefore, it has been classified as a Variant of Uncertain Significance.

Cambridge Genomics Laboratory, East Genomic Laboratory Hub, NHS Genomic Medicine Service
Classification: Uncertain significance for Growth failure in early childhood. Last evaluated: 2024-09-10. Review status: criteria provided, single submitter. Criteria: ACGS Best Practice Guidelines for Variant Classification in Rare Disease 2020. Collection method: clinical testing. Allele origin: germline. Affected: yes.
Comment: PM2,PM3_Supporting,BP4

Ambry Genetics
Classification: Uncertain significance for Inborn genetic diseases. Last evaluated: 2021-11-24. Review status: criteria provided, single submitter. Criteria: Ambry Variant Classification Scheme 2023. Collection method: clinical testing. Allele origin: germline.

Baylor Genetics
Classification: Uncertain significance for Fanconi anemia complementation group Q. Last evaluated: 2021-08-24. Review status: criteria provided, single submitter. Criteria: ACMG Guidelines, 2015. Collection method: clinical testing. Allele origin: unknown. Affected: yes. Study: CSER-TexasKidsCanSeq.
Comment: This variant was determined to be of uncertain significance according to ACMG Guidelines, 2015 [PMID:25741868].

Blueprint Genetics
Classification: Uncertain significance. Last evaluated: 2021-04-26. Review status: criteria provided, single submitter. Criteria: ACMG Guidelines, 2015. Collection method: clinical testing. Allele origin: germline.

Literature cited by the submitters: PubMed 32487094 (cited by Labcorp Genetics (formerly Invitae), Labcorp and Ambry Genetics).